The following is an entry in ClinVar:

NM_004991.4(MECOM):c.2211C>G (p.Ser737Arg)

Gene: MECOM (MDS1 and EVI1 complex locus; minus strand). Cytogenetic location: 3q26.2.
Variant type: single nucleotide variant.
Coding change: c.2211C>G on transcript NM_004991.4 (MANE Select); coding-DNA position 2211, C replaced by G.
Protein change: p.Ser737Arg; replaces serine 737 with arginine.
Molecular consequence: missense variant.
Genome position (GRCh38, 1-based): chr3:169,115,661, G>C on the plus strand (C>G on the coding strand, the complement: MECOM is on the minus strand). VCF-style: chr3-169115661-G-C. GRCh37 (hg19) VCF-style: chr3-168833449-G-C.
Other names: NC_000003.11:g.168833449G>C; c.1842C>G, p.Ser614Arg (NM_001105077.4); c.1647C>G, p.Ser549Arg (NM_001105078.4, NM_001164000.2, NM_001205194.2 and 4 more transcripts); c.1650C>G, p.Ser550Arg (NM_001163999.2, NM_001366467.2, NM_001366468.2 and 1 more transcripts); c.2211C>G, p.Ser737Arg (NM_001366466.2); c.1239C>G, p.Ser413Arg (NM_001366473.2); c.675C>G, p.Ser225Arg (NM_001366474.2); short protein forms S413R, S225R, S550R, S614R, S737R, S549R.
Identifiers: ClinVar variation 4105842 (VCV004105842.2).

ClinVar aggregate classification (germline): Uncertain significance (1 of 4 stars; one submission).

Conditions:
Inborn genetic diseases. Identifiers: MedGen C0950123, MeSH D030342.

gnomAD v4.1: 1 of 1,614,154 alleles (0.000062%); highest among the groups gnomAD compares: Non-Finnish European, 0.000085%; no homozygotes.

Submissions (2):

Ambry Genetics
Classification: Uncertain significance for Inborn genetic diseases. Last evaluated: 2025-08-11. Review status: criteria provided, single submitter. Criteria: Ambry Variant Classification Scheme 2023. Collection method: clinical testing. Allele origin: germline.
Comment: The p.S737R variant (also known as c.2211C>G), located in coding exon 8 of the MECOM gene, results from a C to G substitution at nucleotide position 2211. The serine at codon 737 is replaced by arginine, an amino acid with dissimilar properties. This amino acid position is conserved. In addition, this alteration is predicted to be tolerated by in silico analysis. Based on the available evidence, the clinical significance of this variant remains unclear.

Dr. Peter K. Rogan Lab, Western University
No classification provided (evidence only). Condition: Squamous cell lung carcinoma. Review status: no classification provided. Collection method: in vitro. Allele origin: not applicable. Functional consequence: retained intron. Not counted in ClinVar's aggregate classification.